The following is an entry in ClinVar:

NM_003136.4(SRP54):c.1223G>C (p.Arg408Thr)

Gene: SRP54 (signal recognition particle 54; plus strand). Cytogenetic location: 14q13.2.
Variant type: single nucleotide variant.
Coding change: c.1223G>C on transcript NM_003136.4 (MANE Select); coding-DNA position 1223, G replaced by C.
Protein change: p.Arg408Thr; replaces arginine 408 with threonine.
Molecular consequence: missense variant. On other transcripts: intron variant (1).
Genome position (GRCh38, 1-based): chr14:35,022,976, G>C. VCF-style: chr14-35022976-G-C. GRCh37 (hg19) VCF-style: chr14-35492182-G-C.
Other names: c.1076G>C, p.Arg359Thr (NM_001146282.2); c.1156+3902G>C (NM_001411017.1); short protein forms R359T, R408T.
Identifiers: ClinVar variation 2813220 (VCV002813220.3), dbSNP rs2502789440, ClinGen allele CA389448400.

ClinVar aggregate classification (germline): Uncertain significance (1 of 4 stars; one submission).

Submission:

Labcorp Genetics (formerly Invitae), Labcorp
Classification: Uncertain significance. Last evaluated: 2022-12-07. Review status: criteria provided, single submitter. Criteria: Invitae Variant Classification Sherloc (09022015). Collection method: clinical testing. Allele origin: germline.
Comment: In summary, the available evidence is currently insufficient to determine the role of this variant in disease. Therefore, it has been classified as a Variant of Uncertain Significance. Advanced modeling of protein sequence and biophysical properties (such as structural, functional, and spatial information, amino acid conservation, physicochemical variation, residue mobility, and thermodynamic stability) has been performed at Invitae for this missense variant, however the output from this modeling did not meet the statistical confidence thresholds required to predict the impact of this variant on SRP54 protein function. This variant has not been reported in the literature in individuals affected with SRP54-related conditions. This variant is not present in population databases (gnomAD no frequency). This sequence change replaces arginine, which is basic and polar, with threonine, which is neutral and polar, at codon 408 of the SRP54 protein (p.Arg408Thr).